The following is an entry in ClinVar:

ClinVar aggregate classification (germline): Pathogenic/Likely pathogenic. Review status: criteria provided, multiple submitters, no conflicts (2 of 4 stars). 4 submissions from 4 submitters: Pathogenic (2); Likely pathogenic (2). Last evaluated 2025-07-04.

Conditions:
Usher syndrome. Also called: Usher Syndromes; Usher's syndrome. Identifiers: Orphanet 886, MedGen CN469326, MeSH D052245, MONDO:0019501. Disease mechanism: loss of function.
Usher syndrome type 2A. Also called: RETINAL DISEASE IN USHER SYNDROME TYPE IIA, MODIFIER OF; USHER SYNDROME, TYPE IIA. Identifiers: Orphanet 231178, Orphanet 886, MedGen C1848634, MONDO:0010169, OMIM 276901.

Submissions (4):

3billion
Classification: Pathogenic for Usher syndrome type 2A. Last evaluated: 2025-07-04. Review status: criteria provided, single submitter. Criteria: ACMG Guidelines, 2015. Collection method: clinical testing. Allele origin: germline. Affected: yes.
Comment: The variant is not observed in the gnomAD v4.1.0 dataset. Predicted Consequence/Location: Frameshift: predicted to result in a loss or disruption of normal protein function through nonsense-mediated decay (NMD) or protein truncation. Multiple pathogenic variants are reported downstream of the variant. The variant has been reported at least twice as pathogenic without evidence for the classification (ClinVar ID: VCV000834543 /PMID: 32100970). Therefore, this variant is classified as Pathogenic according to the recommendation of ACMG/AMP guideline.

Genome-Nilou Lab
Classification: Likely pathogenic for Usher syndrome type 2A. Last evaluated: 2023-11-04. Review status: criteria provided, single submitter. Criteria: ACMG Guidelines, 2015. Collection method: clinical testing. Allele origin: germline. Affected: no.

Women's Health and Genetics/Laboratory Corporation of America, LabCorp
Classification: Likely pathogenic for Usher syndrome. Last evaluated: 2023-03-31. Review status: criteria provided, single submitter. Criteria: LabCorp Variant Classification Summary - May 2015. Collection method: clinical testing. Allele origin: germline.
Comment: Variant summary: USH2A c.7075_7076delTT (p.Leu2359AsnfsX17) results in a premature termination codon, predicted to cause a truncation of the encoded protein or absence of the protein due to nonsense mediated decay, which are commonly known mechanisms for disease. Truncations downstream of this position have been classified as pathogenic by our laboratory. The variant was absent in 251282 control chromosomes (gnomAD). c.7075_7076delTT has been reported in the literature in at least one individual affected with retinitis pigmentosa which belongs to the Usher syndrome phenotype spectrum (Sun_2020). To our knowledge, no experimental evidence demonstrating an impact on protein function has been reported. One clinical diagnostic laboratory has submitted clinical-significance assessments for this variant to ClinVar after 2014, and classified the variant as pathogenic. Based on the evidence outlined above, the variant was classified as likely pathogenic.

Labcorp Genetics (formerly Invitae), Labcorp
Classification: Pathogenic. Last evaluated: 2019-12-31. Review status: criteria provided, single submitter. Criteria: Invitae Variant Classification Sherloc (09022015). Collection method: clinical testing. Allele origin: germline.
Comment: For these reasons, this variant has been classified as Pathogenic. Loss-of-function variants in USH2A are known to be pathogenic (PMID: 10729113, 10909849, 20507924, 25649381). This variant has not been reported in the literature in individuals with USH2A-related conditions. This variant is not present in population databases (ExAC no frequency). This sequence change creates a premature translational stop signal (p.Leu2359Asnfs*17) in the USH2A gene. It is expected to result in an absent or disrupted protein product.

Literature cited by the submitters: PubMed 32100970 (cited by 3billion and Women's Health and Genetics/Laboratory Corporation of America, LabCorp); PubMed 10729113 (cited by Labcorp Genetics (formerly Invitae), Labcorp); PubMed 10909849 (cited by Labcorp Genetics (formerly Invitae), Labcorp); PubMed 20507924 (cited by Labcorp Genetics (formerly Invitae), Labcorp); PubMed 25649381 (cited by Labcorp Genetics (formerly Invitae), Labcorp).

NM_206933.4(USH2A):c.7075_7076del (p.Leu2359fs)

Gene: USH2A (usherin; minus strand). Cytogenetic location: 1q41.
Variant type: Deletion.
Coding change: c.7075_7076del on transcript NM_206933.4 (MANE Select); coding-DNA positions 7075 to 7076, 2 bases deleted (TT; older notation c.7075_7076delTT).
Protein change: p.Leu2359fs; shifts the reading frame from leucine 2359.
Molecular consequence: frameshift variant.
Genome position (GRCh38, 1-based): chr1:215,965,361-215,965,362, AA deleted on the plus strand (TT on the coding strand, the reverse complement: USH2A is on the minus strand). VCF-style (leftmost placement, unchanged base first): chr1-215965360-TAA-T. GRCh37 (hg19) VCF-style: chr1-216138702-TAA-T.
Other names: c.7075_7076delTT (NM_206933.2); short protein forms L2359fs.
Identifiers: ClinVar variation 834543 (VCV000834543.10), dbSNP rs1667314337, ClinGen allele CA916082128.